The following is an entry in ClinVar:

NM_018979.4(WNK1):c.3199T>C (p.Ser1067Pro)

Gene: WNK1 (WNK lysine deficient protein kinase 1; plus strand). Cytogenetic location: 12p13.33.
Variant type: single nucleotide variant.
Coding change: c.3199T>C on transcript NM_018979.4 (MANE Select); coding-DNA position 3199, T replaced by C.
Protein change: p.Ser1067Pro; replaces serine 1067 with proline.
Molecular consequence: missense variant.
Genome position (GRCh38, 1-based): chr12:881,779, T>C. VCF-style: chr12-881779-T-C. GRCh37 (hg19) VCF-style: chr12-990945-T-C.
Other names: c.3979T>C, p.Ser1327Pro (NM_001184985.2); c.2458T>C, p.Ser820Pro (NM_014823.3); c.3955T>C, p.Ser1319Pro (NM_213655.5); short protein forms S1067P, S820P, S1327P, S1319P.
Identifiers: ClinVar variation 640270 (VCV000640270.6), dbSNP rs746216756, ClinGen allele CA6382689.

ClinVar aggregate classification (germline): Uncertain significance (1 of 4 stars; one submission).

Conditions:
Neuropathy, hereditary sensory and autonomic, type 2A (HSAN2A). Also called: WNK1-Related HSAN2 (HSAN2A); ACROOSTEOLYSIS, GIACCAI TYPE; ACROOSTEOLYSIS, NEUROGENIC; HSAN IIA; MORVAN DISEASE; NEUROPATHY, CONGENITAL SENSORY. Identifiers: Orphanet 970, MedGen C2752089, MONDO:0024309, OMIM 201300.
Pseudohypoaldosteronism type 2C (PHA2C). Also called: Pseudohypoaldosteronism Type IIC. Identifiers: Orphanet 757, Orphanet 88940, MedGen C1840391, MONDO:0013778, OMIM 614492.

Allele frequency attached by ClinVar (database versions not stated): gnomAD exomes 0.00001 and 0.00003; ExAC 0.00002; gnomAD 0.00002; TOPMed 0.00002.
gnomAD v4.1: 47 of 1,614,098 alleles (0.0029%); highest among the groups gnomAD compares: Non-Finnish European, 0.0038%; no homozygotes.

Submission:

Labcorp Genetics (formerly Invitae), Labcorp
Classification: Uncertain significance for Neuropathy, hereditary sensory and autonomic, type 2A; Pseudohypoaldosteronism type 2C. Last evaluated: 2024-09-15. Review status: criteria provided, single submitter. Criteria: Invitae Variant Classification Sherloc (09022015). Collection method: clinical testing. Allele origin: germline.
Comment: This sequence change replaces serine, which is neutral and polar, with proline, which is neutral and non-polar, at codon 1319 of the WNK1 protein (p.Ser1319Pro). This variant is present in population databases (rs746216756, gnomAD 0.003%). This variant has not been reported in the literature in individuals affected with WNK1-related conditions. ClinVar contains an entry for this variant (Variation ID: 640270). Invitae Evidence Modeling of protein sequence and biophysical properties (such as structural, functional, and spatial information, amino acid conservation, physicochemical variation, residue mobility, and thermodynamic stability) indicates that this missense variant is not expected to disrupt WNK1 protein function with a negative predictive value of 95%. In summary, the available evidence is currently insufficient to determine the role of this variant in disease. Therefore, it has been classified as a Variant of Uncertain Significance.